The following is an entry in ClinVar:

NM_001378454.1(ALMS1):c.7559A>G (p.Asn2520Ser)

Gene: ALMS1 (ALMS1 centrosome and basal body associated protein; plus strand). Cytogenetic location: 2p13.1.
Variant type: single nucleotide variant.
Coding change: c.7559A>G on transcript NM_001378454.1 (MANE Select); coding-DNA position 7559, A replaced by G.
Protein change: p.Asn2520Ser; replaces asparagine 2520 with serine.
Molecular consequence: missense variant.
Genome position (GRCh38, 1-based): chr2:73,455,180, A>G. VCF-style: chr2-73455180-A-G. GRCh37 (hg19) VCF-style: chr2-73682307-A-G.
Other names: c.7562A>G, p.Asn2521Ser (NM_015120.4); short protein forms N2521S, N2520S.
Identifiers: ClinVar variation 434129 (VCV000434129.53), dbSNP rs377085127, ClinGen allele CA1714274.

ClinVar aggregate classification (germline): Uncertain significance. Review status: criteria provided, multiple submitters, no conflicts (2 of 4 stars). 8 submissions from 8 submitters: Uncertain significance (7). 1 of the submissions does not count toward it. Last evaluated 2024-12-18.

Conditions:
Alstrom syndrome (ALMS). Identifiers: Orphanet 64, MedGen C0268425, MONDO:0008763, OMIM 203800.
Cardiovascular phenotype. Identifiers: MedGen CN230736.

Allele frequency attached by ClinVar (database versions not stated): ExAC 0.00001; gnomAD 0.00001; TOPMed 0.00001; gnomAD exomes 0.00002; ESP Exome Variant Server 0.00008.
gnomAD v4.1: 28 of 1,613,208 alleles (0.0017%); highest among the groups gnomAD compares: South Asian, 0.0022%; no homozygotes.

Submissions (8):

GeneDx
Classification: Uncertain significance. Last evaluated: 2024-12-18. Review status: criteria provided, single submitter. Criteria: GeneDx Variant Classification Process June 2021. Collection method: clinical testing. Allele origin: germline. Affected: yes.
Comment: Not observed at significant frequency in large population cohorts (gnomAD); In silico analysis supports that this missense variant has a deleterious effect on protein structure/function; Has not been previously published as pathogenic or benign to our knowledge

Ambry Genetics
Classification: Uncertain significance for Cardiovascular phenotype. Last evaluated: 2024-09-08. Review status: criteria provided, single submitter. Criteria: Ambry Variant Classification Scheme 2023. Collection method: clinical testing. Allele origin: germline.
Comment: The p.N2521S variant (also known as c.7562A>G), located in coding exon 9 of the ALMS1 gene, results from an A to G substitution at nucleotide position 7562. The asparagine at codon 2521 is replaced by serine, an amino acid with highly similar properties. This amino acid position is highly conserved in available vertebrate species. In addition, this alteration is predicted to be tolerated by in silico analysis. Based on the available evidence, the clinical significance of this variant remains unclear.

Labcorp Genetics (formerly Invitae), Labcorp
Classification: Uncertain significance for Alstrom syndrome. Last evaluated: 2022-06-19. Review status: criteria provided, single submitter. Criteria: Invitae Variant Classification Sherloc (09022015). Collection method: clinical testing. Allele origin: germline.
Comment: This sequence change replaces asparagine, which is neutral and polar, with serine, which is neutral and polar, at codon 2521 of the ALMS1 protein (p.Asn2521Ser). This variant is present in population databases (rs377085127, gnomAD 0.003%). This variant has not been reported in the literature in individuals affected with ALMS1-related conditions. ClinVar contains an entry for this variant (Variation ID: 434129). In summary, the available evidence is currently insufficient to determine the role of this variant in disease. Therefore, it has been classified as a Variant of Uncertain Significance.

Blueprint Genetics
Classification: Uncertain significance. Last evaluated: 2022-04-26. Review status: criteria provided, single submitter. Criteria: ACMG Guidelines, 2015. Collection method: clinical testing. Allele origin: germline.

Fulgent Genetics
Classification: Uncertain significance for Alstrom syndrome. Last evaluated: 2022-02-23. Review status: criteria provided, single submitter. Criteria: ACMG Guidelines, 2015. Collection method: clinical testing. Allele origin: unknown.

CeGaT Center for Human Genetics Tuebingen
Classification: Uncertain significance. Last evaluated: 2019-06-01. Review status: criteria provided, single submitter. Criteria: CeGaT Center For Human Genetics Tuebingen Variant Classification Criteria Version 2. Collection method: clinical testing. Allele origin: germline. Affected: yes. Observed: 2 variant alleles.

Genetic Services Laboratory, University of Chicago
Classification: Uncertain significance. Last evaluated: 2016-10-11. Review status: criteria provided, single submitter. Criteria: ACMG Guidelines, 2015. Collection method: clinical testing. Allele origin: germline. Affected: no.

Counsyl
Classification: Uncertain significance for Alstrom syndrome. Last evaluated: 2017-04-27. Review status: no assertion criteria provided. Collection method: clinical testing. Allele origin: unknown. Not counted in ClinVar's aggregate classification.